The following is an entry in ClinVar:

NM_198994.3(TGM6):c.990G>C (p.Trp330Cys)

Gene: TGM6 (transglutaminase 6; plus strand). Cytogenetic location: 20p13.
Variant type: single nucleotide variant.
Coding change: c.990G>C on transcript NM_198994.3 (MANE Select); coding-DNA position 990, G replaced by C.
Protein change: p.Trp330Cys; replaces tryptophan 330 with cysteine.
Molecular consequence: missense variant.
Genome position (GRCh38, 1-based): chr20:2,403,397, G>C. VCF-style: chr20-2403397-G-C. GRCh37 (hg19) VCF-style: chr20-2384043-G-C.
Other names: c.990G>C, p.Trp330Cys (NM_001254734.2); short protein forms W330C.
Identifiers: ClinVar variation 2697758 (VCV002697758.3), dbSNP rs764750878, ClinGen allele CA9731936.

ClinVar aggregate classification (germline): Uncertain significance (1 of 4 stars; one submission).

Allele frequency attached by ClinVar (database versions not stated): gnomAD 0.00001; gnomAD exomes 0.00004; TOPMed 0.00005; ExAC 0.00009.
gnomAD v4.1: 30 of 1,613,990 alleles (0.0019%); highest among the groups gnomAD compares: Admixed American, 0.045%; 1 homozygote.

Submission:

Labcorp Genetics (formerly Invitae), Labcorp
Classification: Uncertain significance. Last evaluated: 2023-11-27. Review status: criteria provided, single submitter. Criteria: Invitae Variant Classification Sherloc (09022015). Collection method: clinical testing. Allele origin: germline.
Comment: This sequence change replaces tryptophan, which is neutral and slightly polar, with cysteine, which is neutral and slightly polar, at codon 330 of the TGM6 protein (p.Trp330Cys). This variant is present in population databases (rs764750878, gnomAD 0.04%), and has an allele count higher than expected for a pathogenic variant. This variant has not been reported in the literature in individuals affected with TGM6-related conditions. An algorithm developed to predict the effect of missense changes on protein structure and function (PolyPhen-2) suggests that this variant is likely to be tolerated. Algorithms developed to predict the effect of sequence changes on RNA splicing suggest that this variant may disrupt the consensus splice site. In summary, the available evidence is currently insufficient to determine the role of this variant in disease. Therefore, it has been classified as a Variant of Uncertain Significance.